The following is an entry in ClinVar:

ClinVar aggregate classification (germline): Uncertain significance. Review status: criteria provided, multiple submitters, no conflicts (2 of 4 stars). 2 submissions from 2 submitters: Uncertain significance (2). Last evaluated 2023-02-24.

Conditions:
Familial hypobetalipoproteinemia 1. Also called: APOB-Related Familial Hypobetalipoproteinemia; Hypobetalipoproteinemia, normotriglyceridemic; Acanthocytosis with hypobetalipoproteinemia. Identifiers: MedGen C4551990, MONDO:0014252, OMIM 615558.
Hypercholesterolemia, autosomal dominant, type B (FHCL2). Also called: APOLIPOPROTEIN B-100, FAMILIAL DEFECTIVE; APOLIPOPROTEIN B-100, FAMILIAL LIGAND-DEFECTIVE; HYPERCHOLESTEROLEMIA, FAMILIAL, DUE TO LIGAND-DEFECTIVE APOLIPOPROTEIN B; Familial Hypercholesterolemia Type B; APOB-Related Familial Hypercholesterolemia, Autosomal Dominant; Hyperlipoproteinemia Type IIb. Identifiers: MedGen C1704417, MONDO:0007751, OMIM 144010.
Cardiovascular phenotype. Identifiers: MedGen CN230736.

Submissions (2):

Ambry Genetics
Classification: Uncertain significance for Cardiovascular phenotype. Last evaluated: 2023-02-24. Review status: criteria provided, single submitter. Criteria: Ambry Variant Classification Scheme 2023. Collection method: clinical testing. Allele origin: germline.
Comment: The c.35_47del13insCTGCGCT variant (also known as p.L12_A16delinsPAL), located in coding exon 1 of the APOB gene, results from an in-frame deletion of TGGCGCTGCCTGC and insertion of CTGCGCT at nucleotide positions 35 to 47. This results in the in-frame deletion five residues (LALPA) and insertion of 3 residues (PAL) between codons 12 and 16. This amino acid region is not well conserved in available vertebrate species. Since supporting evidence is limited at this time, the clinical significance of this alteration remains unclear.

Labcorp Genetics (formerly Invitae), Labcorp
Classification: Uncertain significance for Familial hypobetalipoproteinemia 1; Hypercholesterolemia, autosomal dominant, type B. Last evaluated: 2019-08-11. Review status: criteria provided, single submitter. Criteria: Invitae Variant Classification Sherloc (09022015). Collection method: clinical testing. Allele origin: germline.
Comment: Experimental studies and prediction algorithms are not available or were not evaluated for this variant, and the functional significance of this variant is currently unknown. In summary, the available evidence is currently insufficient to determine the role of this variant in disease. Therefore, it has been classified as a Variant of Uncertain Significance. This variant has not been reported in the literature in individuals with APOB-related conditions. ClinVar contains an entry for this variant (Variation ID: 237745). This variant, c.35_47delinsCTGCGCT, is a complex sequence change that results in the deletion of 5 amino acids and insertion of 3 amino acids in the APOB protein (p.Leu12_Ala16delinsProAlaLeu). This variant is not present in population databases (ExAC no frequency).

NM_000384.3(APOB):c.35_47delinsCTGCGCT (p.Leu12_Ala16delinsProAlaLeu)

Genes: APOB (apolipoprotein B; minus strand), LOC106560211 (APOB 5' regulatory region; plus strand). Cytogenetic location: 2p24.1.
Variant type: Indel.
Coding change: c.35_47delinsCTGCGCT on transcript NM_000384.3 (MANE Select); coding-DNA positions 35 to 47, TGGCGCTGCCTGC replaced by CTGCGCT.
Protein change: p.Leu12_Ala16delinsProAlaLeu.
Molecular consequence: inframe indel.
Genome position (GRCh38, 1-based): chr2:21,043,899-21,043,911, GCAGGCAGCGCCA replaced by AGCGCAG on the plus strand (TGGCGCTGCCTGC replaced by CTGCGCT on the coding strand, the reverse complement: APOB is on the minus strand). VCF-style: chr2-21043899-GCAGGCAGCGCCA-AGCGCAG. GRCh37 (hg19) VCF-style: chr2-21266771-GCAGGCAGCGCCA-AGCGCAG.
Other names: c.35_47del13insCTGCGCT (NM_000384.2).
Identifiers: ClinVar variation 2451332 (VCV002451332.4), dbSNP rs878853971, ClinGen allele CA10581916.